The following is an entry in ClinVar:

ClinVar aggregate classification (germline): Uncertain significance. Review status: criteria provided, multiple submitters, no conflicts (2 of 4 stars). 2 submissions from 2 submitters: Uncertain significance (2). Last evaluated 2025-05-13.

Conditions:
Inborn genetic diseases. Identifiers: MedGen C0950123, MeSH D030342.

Allele frequency attached by ClinVar (database versions not stated): ExAC 0.00002; TOPMed 0.00004; gnomAD 0.00004; gnomAD exomes 0.00003.
gnomAD v4.1: 57 of 1,613,998 alleles (0.0035%); highest among the groups gnomAD compares: East Asian, 0.011%; 1 homozygote.

Submissions (2):

Ambry Genetics
Classification: Uncertain significance for Inborn genetic diseases. Last evaluated: 2025-05-13. Review status: criteria provided, single submitter. Criteria: Ambry Variant Classification Scheme 2023. Collection method: clinical testing. Allele origin: germline.

Labcorp Genetics (formerly Invitae), Labcorp
Classification: Uncertain significance. Last evaluated: 2022-04-04. Review status: criteria provided, single submitter. Criteria: Invitae Variant Classification Sherloc (09022015). Collection method: clinical testing. Allele origin: germline.
Comment: This sequence change replaces arginine, which is basic and polar, with glutamine, which is neutral and polar, at codon 499 of the CNGA3 protein (p.Arg499Gln). This variant is present in population databases (rs374938560, gnomAD 0.02%). This variant has not been reported in the literature in individuals affected with CNGA3-related conditions. Advanced modeling of protein sequence and biophysical properties (such as structural, functional, and spatial information, amino acid conservation, physicochemical variation, residue mobility, and thermodynamic stability) performed at Invitae indicates that this missense variant is not expected to disrupt CNGA3 protein function. In summary, the available evidence is currently insufficient to determine the role of this variant in disease. Therefore, it has been classified as a Variant of Uncertain Significance.

NM_001298.3(CNGA3):c.1496G>A (p.Arg499Gln)

Gene: CNGA3 (cyclic nucleotide gated channel subunit alpha 3; plus strand). Cytogenetic location: 2q11.2.
Variant type: single nucleotide variant.
Coding change: c.1496G>A on transcript NM_001298.3 (MANE Select); coding-DNA position 1496, G replaced by A.
Protein change: p.Arg499Gln; replaces arginine 499 with glutamine.
Molecular consequence: missense variant.
Genome position (GRCh38, 1-based): chr2:98,396,666, G>A. VCF-style: chr2-98396666-G-A. GRCh37 (hg19) VCF-style: chr2-99013129-G-A.
Other names: c.1442G>A, p.Arg481Gln (NM_001079878.2); c.1496G>A (NM_001298.2); short protein forms R481Q, R499Q.
Identifiers: ClinVar variation 2146879 (VCV002146879.2), dbSNP rs374938560, ClinGen allele CA1794020.
Genomic context (GRCh38, chr2:98,396,666, plus strand): 5'-AGGTTCGCATCTTCCAGGACTGTGAGGCAGGGCTGCTGGTGGAGCTGGTGCTGAAGCTGC[G>A]ACCCACTGTGTTCAGCCCTGGGGATTATATCTGCAAGAAGGGAGATATTGGGAAGGAGAT-3'
Protein context (NP_001289.1, residues 489-509): GLLVELVLKL[Arg499Gln]PTVFSPGDYI